The following is an entry in ClinVar:

NM_000080.4(CHRNE):c.*858G>C

Genes: CHRNE (cholinergic receptor nicotinic epsilon subunit; minus strand), MINK1 (misshapen like kinase 1; plus strand). Cytogenetic location: 17p13.2.
Variant type: single nucleotide variant.
Coding change: c.*858G>C on transcript NM_000080.4 (MANE Select); 858 bases downstream of the stop codon, G replaced by C.
Molecular consequence: 3 prime UTR variant.
Genome position (GRCh38, 1-based): chr17:4,897,878, C>G on the plus strand (G>C on the coding strand, the complement: CHRNE is on the minus strand). VCF-style: chr17-4897878-C-G. GRCh37 (hg19) VCF-style: chr17-4801173-C-G.
Other names: c.*591C>G (NM_001024937.4, NM_001321236.2, NM_015716.5 and 2 more transcripts).
Identifiers: ClinVar variation 323949 (VCV000323949.5), dbSNP rs375660349, ClinGen allele CA10646074.

ClinVar aggregate classification (germline): Likely benign (1 of 4 stars; one submission).

Conditions:
Congenital myasthenic syndrome (CMS). Also called: Congenital Myasthenic Syndromes. Identifiers: Orphanet 590, MedGen C0751882, MeSH D020294, MONDO:0018940.

Allele frequency attached by ClinVar (database versions not stated): gnomAD 0.00090 and 0.00131; TOPMed 0.00099; 1000 Genomes Project 0.00260; 1000 Genomes Project 30x 0.00265.

Submission:

Illumina Laboratory Services, Illumina
Classification: Likely benign for Congenital myasthenic syndrome. Last evaluated: 2018-01-13. Review status: criteria provided, single submitter. Criteria: ICSL Variant Classification Criteria 13 December 2019. Collection method: clinical testing. Allele origin: germline.
Comment: This variant was observed in the ICSL laboratory as part of a predisposition screen in an ostensibly healthy population. It had not been previously curated by ICSL or reported in the Human Gene Mutation Database (HGMD: prior to June 1st, 2018), and was therefore a candidate for classification through an automated scoring system. Utilizing variant allele frequency, disease prevalence and penetrance estimates, and inheritance mode, an automated score was calculated to assess if this variant is too frequent to cause the disease. Based on the score and internal cut-off values, a variant classified as likely benign is not then subjected to further curation. The score for this variant resulted in a classification of likely benign for this disease.